The following is an entry in ClinVar:

NM_000143.4(FH):c.118A>G (p.Asn40Asp)

Gene: FH (fumarate hydratase; minus strand). Cytogenetic location: 1q43.
Variant type: single nucleotide variant.
Coding change: c.118A>G on transcript NM_000143.4 (MANE Select); coding-DNA position 118, A replaced by G.
Protein change: p.Asn40Asp; replaces asparagine 40 with aspartic acid.
Molecular consequence: missense variant.
Genome position (GRCh38, 1-based): chr1:241,519,605, T>C on the plus strand (A>G on the coding strand, the complement: FH is on the minus strand). VCF-style: chr1-241519605-T-C. GRCh37 (hg19) VCF-style: chr1-241682905-T-C.
Other names: short protein forms N40D.
Identifiers: ClinVar variation 3278736 (VCV003278736.1).
Genomic context (GRCh38, chr1:241,519,605, plus strand): 5'-CTGAAGGTCACTGCGGGGAGGCCGGGGGATGGCGGCCTGCGCTCACCATTCGAGCCGCGT[T>C]CGGAGGCCAAAACGAGGGCACGGCCGCGCCACCCAAGCCGGGAGCCGAAGCTAAGGCTGC-3'
Protein context (NP_000134.2, residues 30-50): GAAVPSFWPP[Asn40Asp]AARMASQNSF

ClinVar aggregate classification (germline): Uncertain significance (1 of 4 stars; one submission).

Conditions:
Hereditary cancer-predisposing syndrome. Also called: Tumor predisposition; Hereditary Cancer Syndrome; Hereditary neoplastic syndrome; Neoplastic Syndromes, Hereditary. Identifiers: Orphanet 140162, MedGen C0027672, MeSH D009386, MONDO:0015356.

Submission:

Ambry Genetics
Classification: Uncertain significance for Hereditary cancer-predisposing syndrome. Last evaluated: 2024-05-02. Review status: criteria provided, single submitter. Criteria: Ambry Variant Classification Scheme 2023. Collection method: clinical testing. Allele origin: germline.
Comment: The p.N40D variant (also known as c.118A>G), located in coding exon 1 of the FH gene, results from an A to G substitution at nucleotide position 118. The asparagine at codon 40 is replaced by aspartic acid, an amino acid with highly similar properties. This amino acid position is not well conserved in available vertebrate species. In addition, this alteration is predicted to be tolerated by in silico analysis. Based on the available evidence, the clinical significance of this variant remains unclear.